The following is an entry in ClinVar:

NM_004380.3(CREBBP):c.3233C>G (p.Ser1078Trp)

Gene: CREBBP (CREB binding lysine acetyltransferase; minus strand). Cytogenetic location: 16p13.3.
Variant type: single nucleotide variant.
Coding change: c.3233C>G on transcript NM_004380.3 (MANE Select); coding-DNA position 3233, C replaced by G.
Protein change: p.Ser1078Trp; replaces serine 1078 with tryptophan.
Molecular consequence: missense variant.
Genome position (GRCh38, 1-based): chr16:3,767,737, G>C on the plus strand (C>G on the coding strand, the complement: CREBBP is on the minus strand). VCF-style: chr16-3767737-G-C. GRCh37 (hg19) VCF-style: chr16-3817738-G-C.
Other names: c.3119C>G, p.Ser1040Trp (NM_001079846.1); short protein forms S1040W, S1078W.
Identifiers: ClinVar variation 3052233 (VCV003052233.2), dbSNP rs942848385, ClinGen allele CA277006797.

ClinVar aggregate classification (germline): Uncertain significance (0 of 4 stars; one submission).

Conditions:
CREBBP-related disorder. Also called: CREBBP-related disorders; CREBBP-related condition.

gnomAD v4.1: 1 of 1,614,268 alleles (0.000062%); highest among the groups gnomAD compares: Non-Finnish European, 0.000085%; no homozygotes.

Submission:

PreventionGenetics, part of Exact Sciences
Classification: Uncertain significance for CREBBP-related condition. Last evaluated: 2023-12-05. Review status: no assertion criteria provided. Collection method: clinical testing. Allele origin: germline.
Comment: The CREBBP c.3233C>G variant is predicted to result in the amino acid substitution p.Ser1078Trp. To our knowledge, this variant has not been reported in the literature or in a large population database, indicating this variant is rare. At this time, the clinical significance of this variant is uncertain due to the absence of conclusive functional and genetic evidence.